The following is an entry in ClinVar:

ClinVar aggregate classification (germline): Pathogenic (1 of 4 stars; one submission).

Conditions:
Basal cell carcinoma, susceptibility to, 1. Also called: BCC1. Identifiers: MedGen C2751544, MONDO:0011556, OMIM 605462.
Holoprosencephaly 7 (HPE7). Identifiers: Orphanet 2162, MedGen C1835820, MONDO:0012562, OMIM 610828.
Basal cell nevus syndrome 1 (BCNS1). Also called: GORLIN-GOLTZ SYNDROME; MULTIPLE BASAL CELL NEVI, ODONTOGENIC KERATOCYSTS, AND SKELETAL ANOMALIES. Identifiers: MedGen CN376810, MONDO:0958174, OMIM 109400.

Submission:

Juno Genomics, Hangzhou Juno Genomics, Inc
Classification: Pathogenic for Basal cell carcinoma, susceptibility to, 1; Basal cell nevus syndrome 1; Holoprosencephaly 7. Review status: criteria provided, single submitter. Criteria: ACMG Guidelines, 2015. Collection method: clinical testing. Allele origin: germline. Affected: yes.
Comment: Absent from controls (or at extremely low frequency if recessive) in Genome Aggregation Database, Exome Sequencing Project, 1000 Genomes Project, or Exome Aggregation Consortium.;Patient's phenotype or family history is highly specific for a disease with a single genetic etiology.;Null variant in a gene where loss of function (LOF) is a known mechanism of disease.

NM_000264.5(PTCH1):c.563dup (p.His189fs)

Gene: PTCH1 (patched 1; minus strand). Cytogenetic location: 9q22.32.
Variant type: Duplication.
Coding change: c.563dup on transcript NM_000264.5 (MANE Select); coding-DNA position 563, one base duplicated (T; older notation c.563dupT).
Protein change: p.His189fs; shifts the reading frame from histidine 189.
Molecular consequence: frameshift variant. On other transcripts: non-coding transcript variant (1).
Genome position (GRCh38, 1-based): chr9:95,485,706, A duplicated on the plus strand (T on the coding strand, the reverse complement: PTCH1 is on the minus strand). VCF-style (leftmost placement, unchanged base first): chr9-95485705-G-GA. GRCh37 (hg19) VCF-style: chr9-98247987-G-GA.
Other names: c.365dup, p.His123fs (NM_001083602.3, NM_001354919.2); c.560dup, p.His188fs (NM_001083603.3); c.110dup, p.His38fs (NM_001083604.3, NM_001083605.3, NM_001083606.3 and 1 more transcripts); c.563dup, p.His189fs (NM_001354918.2); short protein forms H123fs, H188fs, H189fs, H38fs.
Identifiers: ClinVar variation 3382899 (VCV003382899.2).
Genomic context (GRCh38, chr9:95,485,705, plus strand): 5'-TACCTGCTGCTCATTAGTAGGTGGACGCGGCGGGCCTTACCTGTTGTACATGTATACATG[G>GA]ACACGGCTGGCCTGGAGTGCCGAGTCCAGGTGTTGTAGGAGCGCTTCTGTGGTCAGGACA-3'